The following is an entry in ClinVar:

ClinVar aggregate classification (germline): Pathogenic/Likely pathogenic. Review status: criteria provided, multiple submitters, no conflicts (2 of 4 stars). 4 submissions from 4 submitters: Pathogenic (3); Likely pathogenic (1). Last evaluated 2025-12-08.

Conditions:
RPGR-related disorder. Also called: RPGR-related condition.
Primary ciliary dyskinesia. Also called: Ciliary dyskinesia. Identifiers: Orphanet 244, MedGen C0008780, MONDO:0016575, HP:0012265.
Retinitis pigmentosa (RP). Identifiers: Orphanet 791, MedGen C0035334, MeSH D012174, MONDO:0019200, OMIM 268000. Inheritance: Autosomal dominant, autosomal recessive and X linked inheritance.

Submissions (4):

Research Institute for Ophthalmology and Vision Science, Shahid Beheshti University of Medical Sciences
Classification: Pathogenic for Retinitis pigmentosa. Last evaluated: 2025-12-08. Review status: criteria provided, single submitter. Criteria: ACMG Guidelines, 2015. Collection method: research. Allele origin: inherited. Inheritance: X-linked recessive inheritance. Affected: yes.
Comment: The variant has been found in affected family members. It has been seen in individuals with retinitis pigmentosa and is missing from gnomAD. Other ClinVar submitters have classified the variant as likely pathogenic or pathogenic.

Labcorp Genetics (formerly Invitae), Labcorp
Classification: Pathogenic for Primary ciliary dyskinesia. Last evaluated: 2023-05-20. Review status: criteria provided, single submitter. Criteria: Invitae Variant Classification Sherloc (09022015). Collection method: clinical testing. Allele origin: germline.
Comment: ClinVar contains an entry for this variant (Variation ID: 803975). This sequence change replaces glycine, which is neutral and non-polar, with aspartic acid, which is acidic and polar, at codon 65 of the RPGR protein (p.Gly65Asp). This variant is not present in population databases (gnomAD no frequency). This missense change has been observed in individuals with retinitis pigmentosa (PMID: 20861475, 23372056). It has also been observed to segregate with disease in related individuals. Advanced modeling of protein sequence and biophysical properties (such as structural, functional, and spatial information, amino acid conservation, physicochemical variation, residue mobility, and thermodynamic stability) performed at Invitae indicates that this missense variant is expected to disrupt RPGR protein function. Algorithms developed to predict the effect of sequence changes on RNA splicing suggest that this variant may create or strengthen a splice site. For these reasons, this variant has been classified as Pathogenic.

Blueprint Genetics
Classification: Pathogenic for RPGR-related disorders. Last evaluated: 2021-01-27. Review status: criteria provided, single submitter. Criteria: ACMG Guidelines, 2015. Collection method: clinical testing. Allele origin: germline. Affected: yes. Observed: 1 variant allele.

Mendelics
Classification: Likely pathogenic for Retinitis pigmentosa. Last evaluated: 2019-05-28. Review status: criteria provided, single submitter. Criteria: Mendelics Assertion Criteria 2017. Collection method: clinical testing. Allele origin: unknown.

Literature cited by the submitters: PubMed 20861475 (cited by Research Institute for Ophthalmology and Vision Science, Shahid Beheshti University of Medical Sciences and Labcorp Genetics (formerly Invitae), Labcorp); PubMed 23372056 (cited by Labcorp Genetics (formerly Invitae), Labcorp).

NM_001034853.2(RPGR):c.194G>A (p.Gly65Asp)

Gene: RPGR (retinitis pigmentosa GTPase regulator; minus strand). Cytogenetic location: Xp11.4.
Variant type: single nucleotide variant.
Coding change: c.194G>A on transcript NM_001034853.2 (MANE Select); coding-DNA position 194, G replaced by A.
Protein change: p.Gly65Asp; replaces glycine 65 with aspartic acid.
Molecular consequence: missense variant. On other transcripts: non-coding transcript variant (6).
Genome position (GRCh38, 1-based): chrX:38,322,906, C>T on the plus strand (G>A on the coding strand, the complement: RPGR is on the minus strand). VCF-style: chrX-38322906-C-T. GRCh37 (hg19) VCF-style: chrX-38182159-C-T.
Other names: c.194G>A, p.Gly65Asp (NM_001367245.1, NM_001367246.1, NM_001367247.1 and 4 more transcripts); c.224G>A, p.Gly75Asp (NM_001367248.1); short protein forms G75D, G65D.
Identifiers: ClinVar variation 803975 (VCV000803975.11), dbSNP rs1601982532, ClinGen allele CA412745614.